The following is an entry in ClinVar:

NM_000551.4(VHL):c.340+813A>T

Genes: VHL (von Hippel-Lindau tumor suppressor; plus strand), LOC107303340 (3p25 von Hippel-Lindau tumor suppressor, E3 ubiquitin protein ligase Alu-mediated recombination region; plus strand). Cytogenetic location: 3p25.3.
Variant type: single nucleotide variant.
Coding change: c.340+813A>T on transcript NM_000551.4 (MANE Select); 813 bases into the intron after coding-DNA position 340, A replaced by T.
Molecular consequence: intron variant. On other transcripts: missense variant (1).
Genome position (GRCh38, 1-based): chr3:10,143,000, A>T. VCF-style: chr3-10143000-A-T. GRCh37 (hg19) VCF-style: chr3-10184684-A-T.
Other names: c.578A>T, p.Glu193Val (NM_001354723.2); c.340+813A>T (NM_198156.3); short protein forms E193V.
Identifiers: ClinVar variation 1359108 (VCV001359108.8), dbSNP rs2125126124, ClinGen allele CA2573136146.

ClinVar aggregate classification (germline): Uncertain significance (1 of 4 stars; one submission).

Conditions:
Chuvash polycythemia. Also called: POLYCYTHEMIA, VHL-DEPENDENT. Identifiers: Orphanet 238557, MedGen C1837915, MONDO:0009892, OMIM 263400.
Von Hippel-Lindau syndrome (VHLS). Also called: Von Hippel-Lindau; von Hippel–Lindau syndrome; VHL syndrome. Identifiers: Orphanet 892, MedGen C0019562, MONDO:0008667, OMIM 193300. Disease mechanism: loss of function.

Submission:

Labcorp Genetics (formerly Invitae), Labcorp
Classification: Uncertain significance for Von Hippel-Lindau syndrome; Chuvash polycythemia. Last evaluated: 2025-05-27. Review status: criteria provided, single submitter. Criteria: Invitae Variant Classification Sherloc (09022015). Collection method: clinical testing. Allele origin: germline.
Comment: This sequence change falls in intron 1 of the VHL gene. It is not expected to change the encoded amino acid sequence of the VHL protein. However, this sequence change falls within a cryptic exon in the VHL gene, known as exon E1’, which is naturally expressed at low levels in several human tissues (PMID: 29891534). This variant is not present in population databases (gnomAD no frequency). This variant has not been reported in the literature in individuals affected with VHL-related conditions. ClinVar contains an entry for this variant (Variation ID: 1359108). Experimental studies and prediction algorithms are not available or were not evaluated, and the functional significance of this variant is currently unknown. Algorithms developed to predict the effect of sequence changes on RNA splicing suggest that this variant is not likely to affect RNA splicing. In summary, the available evidence is currently insufficient to determine the role of this variant in disease. Therefore, it has been classified as a Variant of Uncertain Significance.

Literature cited by the submitters: PubMed 29891534.